The following is an entry in ClinVar:

ClinVar aggregate classification (germline): Conflicting classifications of pathogenicity. Review status: criteria provided, conflicting classifications (1 of 4 stars). 5 submissions from 5 submitters: Uncertain significance (1); Likely benign (3). 1 of the submissions does not count toward it. Last evaluated 2026-01-06.

Conditions:
BBIP1-related disorder. Also called: BBIP1-related condition.

Allele frequency attached by ClinVar (database versions not stated): gnomAD exomes 0.00009 and 0.00024; ExAC 0.00014; gnomAD 0.00088 and 0.00094; TOPMed 0.00089; 1000 Genomes Project 30x 0.00125; 1000 Genomes Project 0.00140.

Submissions (5):

Labcorp Genetics (formerly Invitae), Labcorp
Classification: Likely benign. Last evaluated: 2026-01-06. Review status: criteria provided, single submitter. Criteria: Invitae Variant Classification Sherloc (09022015). Collection method: clinical testing. Allele origin: germline.

Ambry Genetics
Classification: Likely benign. Last evaluated: 2025-08-03. Review status: criteria provided, single submitter. Criteria: Ambry Variant Classification Scheme 2023. Collection method: clinical testing. Allele origin: germline.

Mayo Clinic Laboratories, Mayo Clinic
Classification: Uncertain significance. Last evaluated: 2025-03-14. Review status: criteria provided, single submitter. Criteria: ACMG Guidelines, 2015. Collection method: clinical testing. Allele origin: germline. Observed: 1 variant allele.
Comment: BP4_moderate

Blueprint Genetics
Classification: Likely benign. Last evaluated: 2024-11-14. Review status: criteria provided, single submitter. Criteria: ACMG Guidelines, 2015. Collection method: clinical testing. Allele origin: germline.

PreventionGenetics, part of Exact Sciences
Classification: Likely benign for BBIP1-related condition. Last evaluated: 2022-02-04. Review status: no assertion criteria provided. Collection method: clinical testing. Allele origin: germline. Not counted in ClinVar's aggregate classification.
Comment: This variant is classified as likely benign based on ACMG/AMP sequence variant interpretation guidelines (Richards et al. 2015 PMID: 25741868, with internal and published modifications).

Literature cited by the submitters: PubMed 35562395 (cited by Mayo Clinic Laboratories, Mayo Clinic).

NM_001195305.3(BBIP1):c.92G>A (p.Arg31Gln)

Gene: BBIP1 (BBSome interacting protein 1; minus strand). Cytogenetic location: 10q25.2.
Variant type: single nucleotide variant.
Coding change: c.92G>A on transcript NM_001195305.3 (MANE Select); coding-DNA position 92, G replaced by A.
Protein change: p.Arg31Gln; replaces arginine 31 with glutamine.
Molecular consequence: missense variant. On other transcripts: synonymous variant (1), intron variant (1).
Genome position (GRCh38, 1-based): chr10:110,901,558, C>T on the plus strand (G>A on the coding strand, the complement: BBIP1 is on the minus strand). VCF-style: chr10-110901558-C-T. GRCh37 (hg19) VCF-style: chr10-112661316-C-T.
Other names: p.Arg31Gln; c.249G>A, p.Pro83= (NM_001195304.2); c.92G>A, p.Arg31Gln (NM_001195306.2); c.26G>A, p.Arg9Gln (NM_001243783.3); c.38-1032G>A (NM_001195307.2); c.249G>A (NM_001195304.1); c.92G>A (NM_001195306.1); short protein forms R31Q, R9Q.
Identifiers: ClinVar variation 1105634 (VCV001105634.12), dbSNP rs201753066, ClinGen allele CA5689327.